The following is an entry in ClinVar:

ClinVar aggregate classification (germline): Likely benign (1 of 4 stars; one submission).

Submission:

CeGaT Center for Human Genetics Tuebingen
Classification: Likely benign. Last evaluated: 2026-05-01. Review status: criteria provided, single submitter. Criteria: CeGaT Center For Human Genetics Tuebingen Variant Classification Criteria Version 2. Collection method: clinical testing. Allele origin: germline. Affected: yes. Observed: 1 variant allele.
Comment: LIAT1: BP4, BP7

NM_001013672.5(LIAT1):c.717C>T (p.Pro239=)

Genes: LIAT1 (ligand of ATE1; plus strand), LOC105371430 (uncharacterized LOC105371430; minus strand). Cytogenetic location: 17p13.3.
Variant type: single nucleotide variant.
Coding change: c.717C>T on transcript NM_001013672.5 (MANE Select); coding-DNA position 717, C replaced by T.
Protein change: p.Pro239=; no amino-acid change (proline 239 retained).
Molecular consequence: synonymous variant.
Genome position (GRCh38, 1-based): chr17:413,560, C>T. VCF-style: chr17-413560-C-T. GRCh37 (hg19) VCF-style: chr17-263351-C-T.
Identifiers: ClinVar variation 4873215 (VCV004873215.2).